The following is an entry in ClinVar:

NM_004147.4(DRG1):c.43-1G>T

Gene: DRG1 (developmentally regulated GTP binding protein 1; plus strand). Cytogenetic location: 22q12.2.
Variant type: single nucleotide variant.
Coding change: c.43-1G>T on transcript NM_004147.4 (MANE Select); the canonical splice acceptor site of the intron before coding-DNA position 43, G replaced by T.
Molecular consequence: splice acceptor variant.
Genome position (GRCh38, 1-based): chr22:31,400,619, G>T. VCF-style: chr22-31400619-G-T. GRCh37 (hg19) VCF-style: chr22-31796605-G-T.
Identifiers: ClinVar variation 982750 (VCV000982750.1), dbSNP rs2049955711, ClinGen allele CA411267511.

ClinVar aggregate classification (germline): Uncertain significance (1 of 4 stars; one submission).

Conditions:
Neurodevelopmental disorder. Identifiers: MedGen C1535926, MeSH D065886, MONDO:0700092.

Submission:

Institute of Human Genetics, University of Leipzig Medical Center
Classification: Uncertain significance for Neurodevelopmental disorder. Last evaluated: 2019-01-01. Review status: criteria provided, single submitter. Criteria: ACMG Guidelines, 2015. Collection method: clinical testing. Allele origin: de novo. Affected: yes.
Comment: This variant was identified as de novo.